The following is an entry in ClinVar:

NM_000136.3(FANCC):c.653A>T (p.Glu218Val)

Genes: AOPEP (aminopeptidase O (putative); plus strand), FANCC (FA complementation group C; minus strand). Cytogenetic location: 9q22.32.
Variant type: single nucleotide variant.
Coding change: c.653A>T on transcript NM_000136.3 (MANE Select); coding-DNA position 653, A replaced by T.
Protein change: p.Glu218Val; replaces glutamic acid 218 with valine.
Molecular consequence: missense variant.
Genome position (GRCh38, 1-based): chr9:95,149,956, T>A on the plus strand (A>T on the coding strand, the complement: FANCC is on the minus strand). VCF-style: chr9-95149956-T-A. GRCh37 (hg19) VCF-style: chr9-97912238-T-A.
Other names: c.653A>T, p.Glu218Val (NM_001243743.2, NM_001243744.2); short protein forms E218V.
Identifiers: ClinVar variation 3719802 (VCV003719802.2).

ClinVar aggregate classification (germline): Uncertain significance (1 of 4 stars; one submission).

Conditions:
Fanconi anemia (FA). Also called: Fanconi's anemia. Identifiers: Orphanet 84, MedGen C0015625, MeSH D005199, MONDO:0019391.

gnomAD v4.1: 3 of 1,611,154 alleles (0.00019%); highest among the groups gnomAD compares: African/African-American, 0.0013%; no homozygotes.

Submission:

Labcorp Genetics (formerly Invitae), Labcorp
Classification: Uncertain significance for Fanconi anemia. Last evaluated: 2024-03-06. Review status: criteria provided, single submitter. Criteria: Invitae Variant Classification Sherloc (09022015). Collection method: clinical testing. Allele origin: germline.
Comment: This sequence change replaces glutamic acid, which is acidic and polar, with valine, which is neutral and non-polar, at codon 218 of the FANCC protein (p.Glu218Val). The frequency data for this variant in the population databases is considered unreliable, as metrics indicate poor data quality at this position in the gnomAD database. This variant has not been reported in the literature in individuals affected with FANCC-related conditions. Advanced modeling of protein sequence and biophysical properties (such as structural, functional, and spatial information, amino acid conservation, physicochemical variation, residue mobility, and thermodynamic stability) has been performed at Invitae for this missense variant, however the output from this modeling did not meet the statistical confidence thresholds required to predict the impact of this variant on FANCC protein function. In summary, the available evidence is currently insufficient to determine the role of this variant in disease. Therefore, it has been classified as a Variant of Uncertain Significance.